The following is an entry in ClinVar:

ClinVar aggregate classification (germline): Uncertain significance (1 of 4 stars; one submission).

gnomAD v4.1: 68 of 1,364,572 alleles (0.005%); highest among the groups gnomAD compares: Admixed American, 0.014%; no homozygotes.

Submission:

Ambry Genetics
Classification: Uncertain significance. Last evaluated: 2023-12-21. Review status: criteria provided, single submitter. Criteria: Ambry Variant Classification Scheme 2023. Collection method: clinical testing. Allele origin: germline.
Comment: The c.544G>T (p.A182S) alteration is located in exon (coding exon ) of the SH3RF3 gene. This alteration results from a G to T substitution at nucleotide position 544, causing the alanine (A) at amino acid position 182 to be replaced by a serine (S). Based on insufficient or conflicting evidence, the clinical significance of this alteration remains unclear.

NM_001099289.3(SH3RF3):c.544G>T (p.Ala182Ser)

Genes: RANBP2 (RAN binding protein 2; plus strand), SH3RF3 (SH3 domain containing ring finger 3; plus strand), SH3RF3-AS1 (SH3RF3 antisense RNA 1; minus strand). Cytogenetic location: 2q13.
Variant type: single nucleotide variant.
Coding change: c.544G>T on transcript NM_001099289.3 (MANE Select); coding-DNA position 544, G replaced by T.
Protein change: p.Ala182Ser; replaces alanine 182 with serine.
Molecular consequence: missense variant. On other transcripts: non-coding transcript variant (1).
Genome position (GRCh38, 1-based): chr2:109,130,084, G>T. VCF-style: chr2-109130084-G-T. GRCh37 (hg19) VCF-style: chr2-109746540-G-T.
Other names: short protein forms A182S.
Identifiers: ClinVar variation 3161424 (VCV003161424.1), dbSNP rs1037612630, ClinGen allele CA54035595.